The following is an entry in ClinVar:

NM_000138.5(FBN1):c.1145C>G (p.Thr382Ser)

Genes: FBN1 (fibrillin 1; minus strand), LOC113939944 (Sharpr-MPRA regulatory region 9539; plus strand). Cytogenetic location: 15q21.1.
Variant type: single nucleotide variant.
Coding change: c.1145C>G on transcript NM_000138.5 (MANE Select); coding-DNA position 1145, C replaced by G.
Protein change: p.Thr382Ser; replaces threonine 382 with serine.
Molecular consequence: missense variant.
Genome position (GRCh38, 1-based): chr15:48,520,661, G>C on the plus strand (C>G on the coding strand, the complement: FBN1 is on the minus strand). VCF-style: chr15-48520661-G-C. GRCh37 (hg19) VCF-style: chr15-48812858-G-C.
Other names: short protein forms T382S.
Identifiers: ClinVar variation 928435 (VCV000928435.3), dbSNP rs2043844619, ClinGen allele CA392347003.

ClinVar aggregate classification (germline): Uncertain significance (1 of 4 stars; one submission).

Conditions:
Familial thoracic aortic aneurysm and aortic dissection (TAAD). Also called: Thoracic aortic aneurysms and dissections. Identifiers: Orphanet 91387, MedGen C4707243, MONDO:0019625.

Submission:

Color Diagnostics, LLC DBA Color Health
Classification: Uncertain significance for Familial thoracic aortic aneurysm and aortic dissection. Last evaluated: 2019-12-09. Review status: criteria provided, single submitter. Criteria: ACMG Guidelines, 2015. Collection method: clinical testing. Allele origin: germline.
Comment: This missense variant replaces threonine with serine at codon 382 of the FBN1 protein. Computational prediction suggests that this variant may not impact protein structure and function (internally defined REVEL score threshold <= 0.5, PMID: 27666373). Splice site prediction tools suggest that this variant may not impact RNA splicing. To our knowledge, functional studies have not been performed for this variant. This variant has not been reported in individuals affected with cardiovascular disorders in the literature. This variant has not been identified in the general population by the Genome Aggregation Database (gnomAD). The available evidence is insufficient to determine the role of this variant in disease conclusively. Therefore, this variant is classified as a Variant of Uncertain Significance.